The following is an entry in ClinVar:

NM_001365902.3(NFIX):c.622+5G>A

Gene: NFIX (nuclear factor I X; plus strand). Cytogenetic location: 19p13.13.
Variant type: single nucleotide variant.
Coding change: c.622+5G>A on transcript NM_001365902.3 (MANE Select); 5 bases into the intron after coding-DNA position 622, G replaced by A.
Molecular consequence: intron variant.
Genome position (GRCh38, 1-based): chr19:13,073,114, G>A. VCF-style: chr19-13073114-G-A. GRCh37 (hg19) VCF-style: chr19-13183928-G-A.
Other names: c.622+5G>A (NM_002501.4, NM_001365982.2); c.598+5G>A (NM_001378404.1, NM_001271044.3); c.670+5G>A (NM_001378405.1); c.481+5G>A (NM_001365983.2); c.646+5G>A (NM_001271043.2); c.619+5G>A (NM_001365984.2, NM_001365985.2).
Identifiers: ClinVar variation 2922702 (VCV002922702.3), dbSNP rs2016864509, ClinGen allele CA2323710216.

ClinVar aggregate classification (germline): Uncertain significance (1 of 4 stars; one submission).

Conditions:
Marshall-Smith syndrome (MRSHSS). Identifiers: Orphanet 561, MedGen C0265211, MONDO:0011244, OMIM 602535.
Malan overgrowth syndrome (MALNS). Also called: Sotos syndrome 2; NFIX-Related Malan Syndrome; MALAN SYNDROME. Identifiers: Orphanet 420179, MedGen C3553660, MONDO:0013885, OMIM 614753.

Allele frequency attached by ClinVar (database versions not stated): TOPMed below 0.00001.

Submission:

Labcorp Genetics (formerly Invitae), Labcorp
Classification: Uncertain significance for Malan overgrowth syndrome; Marshall-Smith syndrome. Last evaluated: 2024-01-29. Review status: criteria provided, single submitter. Criteria: Invitae Variant Classification Sherloc (09022015). Collection method: clinical testing. Allele origin: germline.
Comment: This sequence change falls in intron 3 of the NFIX gene. It does not directly change the encoded amino acid sequence of the NFIX protein. It affects a nucleotide within the consensus splice site. This variant is not present in population databases (gnomAD no frequency). This variant has not been reported in the literature in individuals affected with NFIX-related conditions. Variants that disrupt the consensus splice site are a relatively common cause of aberrant splicing (PMID: 17576681, 9536098). Algorithms developed to predict the effect of sequence changes on RNA splicing suggest that this variant may disrupt the consensus splice site. In summary, the available evidence is currently insufficient to determine the role of this variant in disease. Therefore, it has been classified as a Variant of Uncertain Significance.

Literature cited by the submitters: PubMed 17576681; PubMed 9536098.